The following is an entry in ClinVar:

NM_020765.3(UBR4):c.15062C>T (p.Pro5021Leu)

Genes: UBR4 (ubiquitin protein ligase E3 component n-recognin 4; minus strand), LOC126805640 (P300/CBP strongly-dependent group 1 enhancer GRCh37_chr1:19407589-19408788; plus strand). Cytogenetic location: 1p36.13.
Variant type: single nucleotide variant.
Coding change: c.15062C>T on transcript NM_020765.3 (MANE Select); coding-DNA position 15062, C replaced by T.
Protein change: p.Pro5021Leu; replaces proline 5021 with leucine.
Molecular consequence: missense variant.
Genome position (GRCh38, 1-based): chr1:19,081,520, G>A on the plus strand (C>T on the coding strand, the complement: UBR4 is on the minus strand). VCF-style: chr1-19081520-G-A. GRCh37 (hg19) VCF-style: chr1-19408014-G-A.
Other names: short protein forms P5021L.
Identifiers: ClinVar variation 2638409 (VCV002638409.24), dbSNP rs146219234, ClinGen allele CA647985.

ClinVar aggregate classification (germline): Likely benign (1 of 4 stars; one submission).

Allele frequency attached by ClinVar (database versions not stated): ESP Exome Variant Server 0.00015; gnomAD exomes 0.00025; TOPMed 0.00029; gnomAD 0.00030; ExAC 0.00042.
gnomAD v4.1: 437 of 1,613,852 alleles (0.027%); highest among the groups gnomAD compares: Admixed American, 0.0083%; 2 homozygotes.

Submission:

CeGaT Center for Human Genetics Tuebingen
Classification: Likely benign. Last evaluated: 2023-03-01. Review status: criteria provided, single submitter. Criteria: CeGaT Center For Human Genetics Tuebingen Variant Classification Criteria Version 2. Collection method: clinical testing. Allele origin: germline. Affected: yes. Observed: 1 variant allele.
Comment: UBR4: PP2, BS1